The following is an entry in ClinVar:

NM_000017.4(ACADS):c.1006G>T (p.Asp336Tyr)

Gene: ACADS (acyl-CoA dehydrogenase short chain; plus strand). Cytogenetic location: 12q24.31.
Variant type: single nucleotide variant.
Coding change: c.1006G>T on transcript NM_000017.4 (MANE Select); coding-DNA position 1006, G replaced by T.
Protein change: p.Asp336Tyr; replaces aspartic acid 336 with tyrosine.
Molecular consequence: missense variant.
Genome position (GRCh38, 1-based): chr12:120,738,892, G>T. VCF-style: chr12-120738892-G-T. GRCh37 (hg19) VCF-style: chr12-121176695-G-T.
Other names: c.994G>T, p.Asp332Tyr (NM_001302554.2); short protein forms D332Y, D336Y.
Identifiers: ClinVar variation 3343186 (VCV003343186.1).

ClinVar aggregate classification (germline): Uncertain significance (1 of 4 stars; one submission).

Submission:

GeneDx
Classification: Uncertain significance. Last evaluated: 2023-04-25. Review status: criteria provided, single submitter. Criteria: GeneDx Variant Classification Process June 2021. Collection method: clinical testing. Allele origin: germline. Affected: yes.
Comment: Not observed at significant frequency in large population cohorts (gnomAD); In silico analysis supports that this missense variant has a deleterious effect on protein structure/function; Has not been previously published as pathogenic or benign to our knowledge